The following is an entry in ClinVar:

NM_000051.4(ATM):c.8850+4A>G

Genes: ATM (ATM serine/threonine kinase; plus strand), C11orf65 (chromosome 11 open reading frame 65; minus strand). Cytogenetic location: 11q22.3.
Variant type: single nucleotide variant.
Coding change: c.8850+4A>G on transcript NM_000051.4 (MANE Select); 4 bases into the intron after coding-DNA position 8850, A replaced by G.
Molecular consequence: intron variant.
Genome position (GRCh38, 1-based): chr11:108,354,878, A>G. VCF-style: chr11-108354878-A-G. GRCh37 (hg19) VCF-style: chr11-108225605-A-G.
Other names: c.8850+4A>G (NM_001351834.2); c.640+31042T>C (NM_001330368.2); c.695-19586T>C (NM_001351110.2).
Identifiers: ClinVar variation 220610 (VCV000220610.8), dbSNP rs587782335, ClinGen allele CA348695.

ClinVar aggregate classification (germline): Uncertain significance (1 of 4 stars; one submission).

Conditions:
Ataxia-telangiectasia syndrome (AT). Also called: Ataxia telangiectasia (A-T); Cerebello-oculocutaneous telangiectasia; Immunodeficiency with ataxia telangiectasia; LOUIS-BAR SYNDROME; AT, COMPLEMENTATION GROUP C; ATAXIA-TELANGIECTASIA, FRESNO VARIANT. Identifiers: Orphanet 100, MedGen C0004135, MONDO:0008840, OMIM 208900.

Submission:

Labcorp Genetics (formerly Invitae), Labcorp
Classification: Uncertain significance for Ataxia-telangiectasia syndrome. Last evaluated: 2015-10-16. Review status: criteria provided, single submitter. Criteria: Invitae Variant Classification Sherloc (09022015). Collection method: clinical testing. Allele origin: germline.
Comment: In summary, this is a novel intronic change with uncertain impact on splicing. It has been classified as a Variant of Uncertain Significance. Algorithms developed to predict the effect of silent changes on mRNA splicing suggest that this variant may alter mRNA splicing, but this prediction has not been confirmed by published transcriptional studies. This variant is not present in population databases (ExAC no frequency) and has not been reported in the literature. This sequence change falls in intron 61 of the ATM mRNA. It does not directly change the encoded amino acid sequence of the ATM protein.